The following is an entry in ClinVar:

ClinVar aggregate classification (germline): Uncertain significance (1 of 4 stars; one submission).

Submission:

Labcorp Genetics (formerly Invitae), Labcorp
Classification: Uncertain significance. Last evaluated: 2024-10-15. Review status: criteria provided, single submitter. Criteria: Invitae Variant Classification Sherloc (09022015). Collection method: clinical testing. Allele origin: germline.
Comment: This sequence change replaces lysine, which is basic and polar, with glutamic acid, which is acidic and polar, at codon 1975 of the LAMA1 protein (p.Lys1975Glu). This variant is not present in population databases (gnomAD no frequency). This variant has not been reported in the literature in individuals affected with LAMA1-related conditions. ClinVar contains an entry for this variant (Variation ID: 1393689). Invitae Evidence Modeling of protein sequence and biophysical properties (such as structural, functional, and spatial information, amino acid conservation, physicochemical variation, residue mobility, and thermodynamic stability) indicates that this missense variant is not expected to disrupt LAMA1 protein function with a negative predictive value of 80%. In summary, the available evidence is currently insufficient to determine the role of this variant in disease. Therefore, it has been classified as a Variant of Uncertain Significance.

NM_005559.4(LAMA1):c.5923A>G (p.Lys1975Glu)

Gene: LAMA1 (laminin subunit alpha 1; minus strand). Cytogenetic location: 18p11.31.
Variant type: single nucleotide variant.
Coding change: c.5923A>G on transcript NM_005559.4 (MANE Select); coding-DNA position 5923, A replaced by G.
Protein change: p.Lys1975Glu; replaces lysine 1975 with glutamic acid.
Molecular consequence: missense variant.
Genome position (GRCh38, 1-based): chr18:6,980,605, T>C on the plus strand (A>G on the coding strand, the complement: LAMA1 is on the minus strand). VCF-style: chr18-6980605-T-C. GRCh37 (hg19) VCF-style: chr18-6980604-T-C.
Other names: short protein forms K1975E.
Identifiers: ClinVar variation 1393689 (VCV001393689.6), dbSNP rs2144047991, ClinGen allele CA401834355.